The following is an entry in ClinVar:

ClinVar aggregate classification (germline): Uncertain significance (1 of 4 stars; one submission).

Conditions:
Benign neonatal seizures. Also called: Convulsions benign familial neonatal dominant form; Autosomal dominant form of benign neonatal seizures; Benign familial neonatal seizures; Benign familial neonatal epilepsy; Benign neonatal familial convulsions. Identifiers: Orphanet 1949, MedGen C0220669, MONDO:0016027.

Allele frequency attached by ClinVar (database versions not stated): gnomAD 0.00001.
gnomAD v4.1: 1 of 1,601,294 alleles (0.000062%); highest among the groups gnomAD compares: Non-Finnish European, 0.000085%; no homozygotes.

Submission:

Labcorp Genetics (formerly Invitae), Labcorp
Classification: Uncertain significance for Benign neonatal seizures. Last evaluated: 2023-01-10. Review status: criteria provided, single submitter. Criteria: Invitae Variant Classification Sherloc (09022015). Collection method: clinical testing. Allele origin: germline.
Comment: In summary, the available evidence is currently insufficient to determine the role of this variant in disease. Therefore, it has been classified as a Variant of Uncertain Significance. Advanced modeling of protein sequence and biophysical properties (such as structural, functional, and spatial information, amino acid conservation, physicochemical variation, residue mobility, and thermodynamic stability) performed at Invitae indicates that this missense variant is not expected to disrupt KCNQ3 protein function. This variant has not been reported in the literature in individuals affected with KCNQ3-related conditions. This variant is not present in population databases (gnomAD no frequency). This sequence change replaces glycine, which is neutral and non-polar, with serine, which is neutral and polar, at codon 71 of the KCNQ3 protein (p.Gly71Ser).

NM_004519.4(KCNQ3):c.211G>A (p.Gly71Ser)

Gene: KCNQ3 (potassium voltage-gated channel subfamily Q member 3; minus strand). Cytogenetic location: 8q24.22.
Variant type: single nucleotide variant.
Coding change: c.211G>A on transcript NM_004519.4 (MANE Select); coding-DNA position 211, G replaced by A.
Protein change: p.Gly71Ser; replaces glycine 71 with serine.
Molecular consequence: missense variant.
Genome position (GRCh38, 1-based): chr8:132,480,322, C>T on the plus strand (G>A on the coding strand, the complement: KCNQ3 is on the minus strand). VCF-style: chr8-132480322-C-T. GRCh37 (hg19) VCF-style: chr8-133492569-C-T.
Other names: short protein forms G71S.
Identifiers: ClinVar variation 2827470 (VCV002827470.3), dbSNP rs1822519358, ClinGen allele CA372292673.